The following is an entry in ClinVar:

NM_173354.5(SIK1):c.580G>A (p.Val194Ile)

Gene: SIK1 (salt inducible kinase 1; minus strand). Cytogenetic location: 21q22.3.
Variant type: single nucleotide variant.
Coding change: c.580G>A on transcript NM_173354.5 (MANE Select); coding-DNA position 580, G replaced by A.
Protein change: p.Val194Ile; replaces valine 194 with isoleucine.
Molecular consequence: missense variant.
Genome position (GRCh38, 1-based): chr21:43,421,287, C>T on the plus strand (G>A on the coding strand, the complement: SIK1 is on the minus strand). VCF-style: chr21-43421287-C-T. GRCh37 (hg19) VCF-style: chr21-44841167-C-T.
Other names: short protein forms V194I.
Identifiers: ClinVar variation 854959 (VCV000854959.12), dbSNP rs367965361, ClinGen allele CA321327760.
Genomic context (GRCh38, chr21:43,421,287, plus strand): 5'-CGCACAGGGCTCCTACCCAGATGTCCAGCTGGGGGCCTTCATACTCCTTCCCCTCAAAGA[C>T]TTCCGGGGCGGCATACGGGGGGCTCCCACACCACGTGGACAGAGGCTCTCCTGACTTGTA-3'
Protein context (NP_775490.2, residues 184-204): CGSPPYAAPE[Val194Ile]FEGKEYEGPQ

ClinVar aggregate classification (germline): Uncertain significance. Review status: criteria provided, multiple submitters, no conflicts (2 of 4 stars). 2 submissions from 2 submitters: Uncertain significance (2). Last evaluated 2025-02-12.

Conditions:
Developmental and epileptic encephalopathy, 30 (DEE30). Also called: Epileptic encephalopathy, early infantile, 30. Identifiers: MedGen C4225360, MONDO:0014595, OMIM 616341.

Submissions (2):

Labcorp Genetics (formerly Invitae), Labcorp
Classification: Uncertain significance for Developmental and epileptic encephalopathy, 30. Last evaluated: 2025-02-12. Review status: criteria provided, single submitter. Criteria: Invitae Variant Classification Sherloc (09022015). Collection method: clinical testing. Allele origin: germline.
Comment: This sequence change replaces valine, which is neutral and non-polar, with isoleucine, which is neutral and non-polar, at codon 194 of the SIK1 protein (p.Val194Ile). This variant is not present in population databases (gnomAD no frequency). This variant has not been reported in the literature in individuals affected with SIK1-related conditions. ClinVar contains an entry for this variant (Variation ID: 854959). Invitae Evidence Modeling of protein sequence and biophysical properties (such as structural, functional, and spatial information, amino acid conservation, physicochemical variation, residue mobility, and thermodynamic stability) indicates that this missense variant is not expected to disrupt SIK1 protein function with a negative predictive value of 95%. In summary, the available evidence is currently insufficient to determine the role of this variant in disease. Therefore, it has been classified as a Variant of Uncertain Significance.

Revvity Omics, Revvity
Classification: Uncertain significance for Developmental and epileptic encephalopathy, 30. Last evaluated: 2020-12-13. Review status: criteria provided, single submitter. Criteria: ACMG Guidelines, 2015. Collection method: clinical testing. Allele origin: germline.